The following is an entry in ClinVar:

ClinVar aggregate classification (germline): Likely benign (1 of 4 stars; one submission).

Allele frequency attached by ClinVar (database versions not stated): gnomAD exomes below 0.00001; gnomAD 0.00001.

Submission:

CeGaT Center for Human Genetics Tuebingen
Classification: Likely benign. Last evaluated: 2023-01-01. Review status: criteria provided, single submitter. Criteria: CeGaT Center For Human Genetics Tuebingen Variant Classification Criteria Version 2. Collection method: clinical testing. Allele origin: germline. Affected: yes. Observed: 1 variant allele.
Comment: H1-1: BP4, BP7

NM_005325.4(H1-1):c.603G>A (p.Lys201=)

Gene: H1-1 (H1.1 linker histone, cluster member; minus strand). Cytogenetic location: 6p22.2.
Variant type: single nucleotide variant.
Coding change: c.603G>A on transcript NM_005325.4 (MANE Select); coding-DNA position 603, G replaced by A.
Protein change: p.Lys201=; no amino-acid change (lysine 201 retained).
Molecular consequence: synonymous variant.
Genome position (GRCh38, 1-based): chr6:26,017,130, C>T on the plus strand (G>A on the coding strand, the complement: H1-1 is on the minus strand). VCF-style: chr6-26017130-C-T. GRCh37 (hg19) VCF-style: chr6-26017358-C-T.
Identifiers: ClinVar variation 2656291 (VCV002656291.24), dbSNP rs1365609257, ClinGen allele CA449014686.